The following is an entry in ClinVar:

ClinVar aggregate classification (germline): Uncertain significance (1 of 4 stars; one submission).

Allele frequency attached by ClinVar (database versions not stated): gnomAD exomes below 0.00001; ExAC 0.00002; ESP Exome Variant Server 0.00008.
gnomAD v4.1: 10 of 1,599,124 alleles (0.00063%); highest among the groups gnomAD compares: African/African-American, 0.011%; no homozygotes.

Submission:

Labcorp Genetics (formerly Invitae), Labcorp
Classification: Uncertain significance. Last evaluated: 2022-04-11. Review status: criteria provided, single submitter. Criteria: Invitae Variant Classification Sherloc (09022015). Collection method: clinical testing. Allele origin: germline.
Comment: This sequence change replaces lysine, which is basic and polar, with arginine, which is basic and polar, at codon 282 of the GTF2E2 protein (p.Lys282Arg). This variant is present in population databases (rs141953164, gnomAD 0.01%). This variant has not been reported in the literature in individuals affected with GTF2E2-related conditions. Algorithms developed to predict the effect of missense changes on protein structure and function (SIFT, PolyPhen-2, Align-GVGD) all suggest that this variant is likely to be tolerated. In summary, the available evidence is currently insufficient to determine the role of this variant in disease. Therefore, it has been classified as a Variant of Uncertain Significance.

NM_002095.6(GTF2E2):c.845A>G (p.Lys282Arg)

Gene: GTF2E2 (general transcription factor IIE subunit 2; minus strand). Cytogenetic location: 8p12.
Variant type: single nucleotide variant.
Coding change: c.845A>G on transcript NM_002095.6 (MANE Select); coding-DNA position 845, A replaced by G.
Protein change: p.Lys282Arg; replaces lysine 282 with arginine.
Molecular consequence: missense variant.
Genome position (GRCh38, 1-based): chr8:30,578,952, T>C on the plus strand (A>G on the coding strand, the complement: GTF2E2 is on the minus strand). VCF-style: chr8-30578952-T-C. GRCh37 (hg19) VCF-style: chr8-30436469-T-C.
Other names: short protein forms K282R.
Identifiers: ClinVar variation 2115677 (VCV002115677.1), dbSNP rs141953164, ClinGen allele CA4700847.